The following is an entry in ClinVar:

ClinVar aggregate classification (germline): Conflicting classifications of pathogenicity. Review status: criteria provided, conflicting classifications (1 of 4 stars). 2 submissions from 2 submitters: Uncertain significance (1); Likely benign (1). Last evaluated 2025-06-24.

Conditions:
Gorlin syndrome. Also called: Nevoid Basal Cell Carcinoma Syndrome; Basal cell nevus syndrome. Identifiers: Orphanet 377, MedGen C0004779, MONDO:0007187.

Submissions (2):

Dasa
Classification: Uncertain significance. Last evaluated: 2025-06-24. Review status: criteria provided, single submitter. Criteria: DASA Assertion Criteria. Collection method: clinical testing. Allele origin: germline.
Comment: NM_000264.5(PTCH1):c.2704-5del is a splice-region variant. This variant is absent from population databases. Computational prediction algorithms are consistent with a benign effect. The currently available literature and clinical evidence are not sufficient to establish a definitive association between this variant and the reported condition. Therefore, this variant is classified as a variant of uncertain significance.

Labcorp Genetics (formerly Invitae), Labcorp
Classification: Likely benign for Gorlin syndrome. Last evaluated: 2020-05-27. Review status: criteria provided, single submitter. Criteria: Invitae Variant Classification Sherloc (09022015). Collection method: clinical testing. Allele origin: germline.

NM_000264.5(PTCH1):c.2704-5del

Gene: PTCH1 (patched 1; minus strand). Cytogenetic location: 9q22.32.
Variant type: Deletion.
Coding change: c.2704-5del on transcript NM_000264.5 (MANE Select); 5 bases into the intron before coding-DNA position 2704, one base deleted (T; older notation c.2704-5delT).
Molecular consequence: intron variant.
Genome position (GRCh38, 1-based): chr9:95,459,788, A deleted on the plus strand (T on the coding strand, the reverse complement: PTCH1 is on the minus strand); the first of 5 consecutive A bases (chr9:95,459,788-95,459,792); deleting any one gives the same sequence. VCF-style (leftmost placement, unchanged base first): chr9-95459787-CA-C. GRCh37 (hg19) VCF-style: chr9-98222069-CA-C.
Other names: c.2701-5del (NM_001083603.3); c.2506-5del (NM_001083602.3); c.2548-5del (NM_001354918.2); c.2251-5del (NM_001083605.3, NM_001083604.3, NM_001083606.3 and 1 more transcripts).
Identifiers: ClinVar variation 1079600 (VCV001079600.11), dbSNP rs2136673527, ClinGen allele CA2499220034.
Genomic context (GRCh38, chr9:95,459,787, plus strand): 5'-GTAGAAAGCGCTGGGATTAATGATGCCATCTGCATCCACCAGACGCTGTTTAGTCAACTA[CA>C]AAAACGGGAAGAACAGAGGCCTTTGAGAATGGGGTTGGGGGTAAACACACTTCTGCCTTG-3'